The following is an entry in ClinVar:

NM_001042424.3(NSD2):c.1330A>G (p.Thr444Ala)

Gene: NSD2 (nuclear receptor binding SET domain protein 2; plus strand). Cytogenetic location: 4p16.3.
Variant type: single nucleotide variant.
Coding change: c.1330A>G on transcript NM_001042424.3 (MANE Select); coding-DNA position 1330, A replaced by G.
Protein change: p.Thr444Ala; replaces threonine 444 with alanine.
Molecular consequence: missense variant.
Genome position (GRCh38, 1-based): chr4:1,918,543, A>G. VCF-style: chr4-1918543-A-G. GRCh37 (hg19) VCF-style: chr4-1920270-A-G.
Other names: c.1330A>G, p.Thr444Ala (NM_007331.2, NM_133330.3, NM_133331.3 and 2 more transcripts); short protein forms T444A.
Identifiers: ClinVar variation 348432 (VCV000348432.15), dbSNP rs112014939, ClinGen allele CA2812060.
Genomic context (GRCh38, chr4:1,918,543, plus strand): 5'-CAAAAGACGGCAGAGGCTGACCCCAGAAGAGGAGTAGGGTCTCCTCCTGGGAGGAAGAAG[A>G]CCACAGTCTCCATGCCACGAAGCAGGAAGGGAGATGCAGCATCCCAGTTTTTGGTCTTCT-3'
Protein context (NP_001035889.1, residues 434-454): GVGSPPGRKK[Thr444Ala]TVSMPRSRKG

ClinVar aggregate classification (germline): Benign/Likely benign. Review status: criteria provided, multiple submitters, no conflicts (2 of 4 stars). 3 submissions from 3 submitters: Benign (1); Likely benign (1). 1 of the submissions does not count toward it. Last evaluated 2025-11-10.

Conditions:
NSD2-related disorder. Also called: NSD2-related condition; NSD2 related disorders.

Allele frequency attached by ClinVar (database versions not stated): gnomAD exomes 0.00059 and 0.00148; ExAC 0.00176; 1000 Genomes Project 30x 0.00437; 1000 Genomes Project 0.00439; gnomAD 0.00606 and 0.00651; TOPMed 0.00697; ESP Exome Variant Server 0.00723.

Submissions (3):

Labcorp Genetics (formerly Invitae), Labcorp
Classification: Benign. Last evaluated: 2025-11-10. Review status: criteria provided, single submitter. Criteria: Invitae Variant Classification Sherloc (09022015). Collection method: clinical testing. Allele origin: germline.

Blueprint Genetics
Classification: Likely benign. Last evaluated: 2024-10-31. Review status: criteria provided, single submitter. Criteria: ACMG Guidelines, 2015. Collection method: clinical testing. Allele origin: germline.

PreventionGenetics, part of Exact Sciences
Classification: Benign for NSD2-related condition. Last evaluated: 2019-08-28. Review status: no assertion criteria provided. Collection method: clinical testing. Allele origin: germline. Not counted in ClinVar's aggregate classification.
Comment: This variant is classified as benign based on ACMG/AMP sequence variant interpretation guidelines (Richards et al. 2015 PMID: 25741868, with internal and published modifications).